The following is an entry in ClinVar:

NM_000179.3(MSH6):c.530A>T (p.Gln177Leu)

Gene: MSH6 (mutS homolog 6; plus strand). Cytogenetic location: 2p16.3.
Variant type: single nucleotide variant.
Coding change: c.530A>T on transcript NM_000179.3 (MANE Select); coding-DNA position 530, A replaced by T.
Protein change: p.Gln177Leu; replaces glutamine 177 with leucine.
Molecular consequence: missense variant. On other transcripts: 5 prime UTR variant (1), intron variant (2).
Genome position (GRCh38, 1-based): chr2:47,795,966, A>T. VCF-style: chr2-47795966-A-T. GRCh37 (hg19) VCF-style: chr2-48023105-A-T.
Other names: c.-373A>T (NM_001281494.2); c.-279-2645A>T (NM_001281493.2); c.238-2645A>T (NM_001281492.2); short protein forms Q177L.
Identifiers: ClinVar variation 517154 (VCV000517154.8), dbSNP rs1553411434, ClinGen allele CA346738706.

ClinVar aggregate classification (germline): Uncertain significance. Review status: criteria provided, multiple submitters, no conflicts (2 of 4 stars). 2 submissions from 2 submitters: Uncertain significance (2). Last evaluated 2019-09-03.

Conditions:
Hereditary cancer-predisposing syndrome. Also called: Tumor predisposition; Hereditary neoplastic syndrome; Neoplastic Syndromes, Hereditary; Hereditary Cancer Syndrome. Identifiers: Orphanet 140162, MedGen C0027672, MeSH D009386, MONDO:0015356.

Submissions (2):

Ambry Genetics
Classification: Uncertain significance for Hereditary cancer-predisposing syndrome. Last evaluated: 2019-09-03. Review status: criteria provided, single submitter. Criteria: Ambry Variant Classification Scheme 2023. Collection method: clinical testing. Allele origin: germline.
Comment: The p.Q177L variant (also known as c.530A>T), located in coding exon 3 of the MSH6 gene, results from an A to T substitution at nucleotide position 530. The glutamine at codon 177 is replaced by leucine, an amino acid with dissimilar properties. One study detected this variant in the germline of an individual with a personal history of colorectal cancer and/or one or more adenomatous colon polyps; authors classified the alteration as a variant of uncertain significance (Gordon AS et al. Am. J. Hum. Genet., 2019 Aug 8). This amino acid position is not well conserved in available vertebrate species. In addition, this alteration is predicted to be tolerated by in silico analysis. Since supporting evidence is limited at this time, the clinical significance of this alteration remains unclear.

Laboratory for Molecular Medicine, Mass General Brigham Personalized Medicine
Classification: Uncertain significance. Last evaluated: 2016-11-17. Review status: criteria provided, single submitter. Criteria: LMM Criteria. Collection method: clinical testing. Allele origin: germline. Observed: 1 variant allele.
Comment: The p.Gln177Leu variant in MSH6 has not been previously reported in individuals with Lynch syndrome or in large population studies. Computational prediction too ls and conservation analysis suggest that the p.Gln177Leu variant may not impact the protein, though this information is not predictive enough to rule out patho genicity. In summary, the clinical significance of the p.Gln177Leu variant is un certain.

Literature cited by the submitters: PubMed 31422818 (cited by Ambry Genetics).